The following is an entry in ClinVar:

ClinVar aggregate classification (germline): Likely benign (1 of 4 stars; one submission).

gnomAD v4.1: 22 of 1,613,650 alleles (0.0014%); highest among the groups gnomAD compares: Admixed American, 0.022%; no homozygotes.

Submission:

CeGaT Center for Human Genetics Tuebingen
Classification: Likely benign. Last evaluated: 2026-07-01. Review status: criteria provided, single submitter. Criteria: CeGaT Center For Human Genetics Tuebingen Variant Classification Criteria Version 2. Collection method: clinical testing. Allele origin: germline. Affected: yes. Observed: 1 variant allele.
Comment: TNPO2: BP4, BP7

NM_001382241.1(TNPO2):c.840G>A (p.Thr280=)

Gene: TNPO2 (transportin 2; minus strand). Cytogenetic location: 19p13.13.
Variant type: single nucleotide variant.
Coding change: c.840G>A on transcript NM_001382241.1 (MANE Select); coding-DNA position 840, G replaced by A.
Protein change: p.Thr280=; no amino-acid change (threonine 280 retained).
Molecular consequence: synonymous variant. On other transcripts: non-coding transcript variant (6).
Genome position (GRCh38, 1-based): chr19:12,714,871, C>T on the plus strand (G>A on the coding strand, the complement: TNPO2 is on the minus strand). VCF-style: chr19-12714871-C-T. GRCh37 (hg19) VCF-style: chr19-12825685-C-T.
Other names: c.840G>A, p.Thr280= (NM_001136195.2, NM_001136196.2, NM_001382236.1 and 7 more transcripts).
Identifiers: ClinVar variation 5039394 (VCV005039394.1).